The following is an entry in ClinVar:

ClinVar aggregate classification (germline): Benign/Likely benign. Review status: criteria provided, multiple submitters, no conflicts (2 of 4 stars). 2 submissions from 2 submitters: Benign (1); Likely benign (1). Last evaluated 2026-04-01.

Allele frequency attached by ClinVar (database versions not stated): gnomAD 0.00241 and 0.00221; 1000 Genomes Project 30x 0.00281; gnomAD exomes 0.00043; ExAC 0.00066; TOPMed 0.00238; 1000 Genomes Project 0.00240.
gnomAD v4.1: 742 of 1,533,056 alleles (0.048%); highest among the groups gnomAD compares: African/African-American, 0.73%; 3 homozygotes.

Submissions (2):

CeGaT Center for Human Genetics Tuebingen
Classification: Likely benign. Last evaluated: 2026-04-01. Review status: criteria provided, single submitter. Criteria: CeGaT Center For Human Genetics Tuebingen Variant Classification Criteria Version 2. Collection method: clinical testing. Allele origin: germline. Affected: yes. Observed: 2 variant alleles.
Comment: PTPRQ: BS2

GeneDx
Classification: Benign. Last evaluated: 2019-12-31. Review status: criteria provided, single submitter. Criteria: GeneDx Variant Classification Process June 2021. Collection method: clinical testing. Allele origin: germline. Affected: yes.

NM_001145026.2(PTPRQ):c.2993C>T (p.Thr998Ile)

Gene: PTPRQ (protein tyrosine phosphatase receptor type Q; plus strand). Cytogenetic location: 12q21.31.
Variant type: single nucleotide variant.
Coding change: c.2993C>T on transcript NM_001145026.2 (MANE Select); coding-DNA position 2993, C replaced by T.
Protein change: p.Thr998Ile; replaces threonine 998 with isoleucine.
Molecular consequence: missense variant.
Genome position (GRCh38, 1-based): chr12:80,539,783, C>T. VCF-style: chr12-80539783-C-T. GRCh37 (hg19) VCF-style: chr12-80933562-C-T.
Other names: short protein forms T998I.
Identifiers: ClinVar variation 1224683 (VCV001224683.16), dbSNP rs12316867, ClinGen allele CA6702597.